The following is an entry in ClinVar:

NM_001903.5(CTNNA1):c.1914G>C (p.Leu638Phe)

Gene: CTNNA1 (catenin alpha 1; plus strand). Cytogenetic location: 5q31.2.
Variant type: single nucleotide variant.
Coding change: c.1914G>C on transcript NM_001903.5 (MANE Select); coding-DNA position 1914, G replaced by C.
Protein change: p.Leu638Phe; replaces leucine 638 with phenylalanine.
Molecular consequence: missense variant.
Genome position (GRCh38, 1-based): chr5:138,929,260, G>C. VCF-style: chr5-138929260-G-C. GRCh37 (hg19) VCF-style: chr5-138264949-G-C.
Other names: c.1914G>C, p.Leu638Phe (NM_001290307.3, NM_001323982.2, NM_001323983.1 and 2 more transcripts); c.1605G>C, p.Leu535Phe (NM_001290309.3); c.1545G>C, p.Leu515Phe (NM_001290310.3); c.804G>C, p.Leu268Phe (NM_001290312.1, NM_001323987.1, NM_001323988.1 and 17 more transcripts); c.1821G>C, p.Leu607Phe (NM_001323986.2); c.561G>C, p.Leu187Phe (NM_001324012.1, NM_001324013.1); c.465G>C, p.Leu155Phe (NM_001324006.1, NM_001324007.1, NM_001324008.1 and 2 more transcripts); c.711G>C, p.Leu237Phe (NM_001324011.1); short protein forms L607F, L638F, L187F, L237F, L268F, L535F, L155F, L515F.
Identifiers: ClinVar variation 1998843 (VCV001998843.4), dbSNP rs2533819804, ClinGen allele CA361132698.

ClinVar aggregate classification (germline): Uncertain significance (1 of 4 stars; one submission).

Submission:

Labcorp Genetics (formerly Invitae), Labcorp
Classification: Uncertain significance. Last evaluated: 2021-11-26. Review status: criteria provided, single submitter. Criteria: Invitae Variant Classification Sherloc (09022015). Collection method: clinical testing. Allele origin: germline.
Comment: In summary, the available evidence is currently insufficient to determine the role of this variant in disease. Therefore, it has been classified as a Variant of Uncertain Significance. Algorithms developed to predict the effect of missense changes on protein structure and function are either unavailable or do not agree on the potential impact of this missense change (SIFT: "Deleterious"; PolyPhen-2: "Benign"; Align-GVGD: "Class C0"). This variant has not been reported in the literature in individuals affected with CTNNA1-related conditions. This variant is not present in population databases (gnomAD no frequency). This sequence change replaces leucine, which is neutral and non-polar, with phenylalanine, which is neutral and non-polar, at codon 638 of the CTNNA1 protein (p.Leu638Phe).